The following is an entry in ClinVar:

NM_022114.4(PRDM16):c.3236T>G (p.Phe1079Cys)

Gene: PRDM16 (PR/SET domain 16; plus strand). Cytogenetic location: 1p36.32.
Variant type: single nucleotide variant.
Coding change: c.3236T>G on transcript NM_022114.4 (MANE Select); coding-DNA position 3236, T replaced by G.
Protein change: p.Phe1079Cys; replaces phenylalanine 1079 with cysteine.
Molecular consequence: missense variant.
Genome position (GRCh38, 1-based): chr1:3,426,177, T>G. VCF-style: chr1-3426177-T-G. GRCh37 (hg19) VCF-style: chr1-3342741-T-G.
Other names: c.3236T>G, p.Phe1079Cys (NM_199454.3); short protein forms F1079C.
Identifiers: ClinVar variation 4763467 (VCV004763467.1).
Genomic context (GRCh38, chr1:3,426,177, plus strand): 5'-CGGACAACCACGCACTTTTAGACGAGAAAGAAGACTCTTATTTCTCGGAAATCAGAAACT[T>G]TATTGCCAATAGTGAGATGAACCAAGCATCAACGCGAACAGAGAAACGGTAAGAAAACTA-3'
Protein context (NP_071397.3, residues 1069-1089): EDSYFSEIRN[Phe1079Cys]IANSEMNQAS

ClinVar aggregate classification (germline): Uncertain significance (1 of 4 stars; one submission).

Conditions:
Left ventricular noncompaction 8 (LVNC8). Identifiers: Orphanet 154, Orphanet 54260, MedGen C3809288, MONDO:0014152, OMIM 615373.

gnomAD v4.1: 10 of 1,613,644 alleles (0.00062%); highest among the groups gnomAD compares: African/African-American, 0.0027%; no homozygotes.

Submission:

Labcorp Genetics (formerly Invitae), Labcorp
Classification: Uncertain significance for Left ventricular noncompaction 8. Last evaluated: 2025-02-15. Review status: criteria provided, single submitter. Criteria: Invitae Variant Classification Sherloc (09022015). Collection method: clinical testing. Allele origin: germline.
Comment: This sequence change replaces phenylalanine, which is neutral and non-polar, with cysteine, which is neutral and slightly polar, at codon 1079 of the PRDM16 protein (p.Phe1079Cys). This variant is present in population databases (rs778955197, gnomAD 0.002%). This variant has not been reported in the literature in individuals affected with PRDM16-related conditions. An algorithm developed to predict the effect of missense changes on protein structure and function (PolyPhen-2) suggests that this variant is likely to be disruptive. In summary, the available evidence is currently insufficient to determine the role of this variant in disease. Therefore, it has been classified as a Variant of Uncertain Significance.